The following is an entry in ClinVar:

ClinVar aggregate classification (germline): Likely benign (0 of 4 stars; one submission).

Conditions:
PLXNA4-related disorder. Also called: PLXNA4-related condition.

Allele frequency attached by ClinVar (database versions not stated): gnomAD 0.00010; gnomAD exomes 0.00010; TOPMed 0.00010; ESP Exome Variant Server 0.00015; ExAC 0.00016; 1000 Genomes Project 0.00080; 1000 Genomes Project 30x 0.00109.
gnomAD v4.1: 160 of 1,613,698 alleles (0.0099%); highest among the groups gnomAD compares: East Asian, 0.19%; no homozygotes.

Submission:

PreventionGenetics, part of Exact Sciences
Classification: Likely benign for PLXNA4-related condition. Last evaluated: 2024-01-30. Review status: no assertion criteria provided. Collection method: clinical testing. Allele origin: germline.
Comment: This variant is classified as likely benign based on ACMG/AMP sequence variant interpretation guidelines (Richards et al. 2015 PMID: 25741868, with internal and published modifications).

NM_020911.2(PLXNA4):c.3875-7G>A

Gene: PLXNA4 (plexin A4; minus strand). Cytogenetic location: 7q32.3.
Variant type: single nucleotide variant.
Coding change: c.3875-7G>A on transcript NM_020911.2 (MANE Select); 7 bases into the intron before coding-DNA position 3875, G replaced by A.
Molecular consequence: intron variant.
Genome position (GRCh38, 1-based): chr7:132,174,927, C>T on the plus strand (G>A on the coding strand, the complement: PLXNA4 is on the minus strand). VCF-style: chr7-132174927-C-T. GRCh37 (hg19) VCF-style: chr7-131859686-C-T.
Other names: c.3875-7G>A (NM_001393897.1).
Identifiers: ClinVar variation 3054598 (VCV003054598.2), dbSNP rs141129552, ClinGen allele CA4489338.